The following is an entry in ClinVar:

ClinVar aggregate classification (germline): Likely benign. Review status: criteria provided, single submitter (1 of 4 stars). 2 submissions from 2 submitters: Likely benign (1). 1 of the submissions does not count toward it. Last evaluated 2025-04-22.

Conditions:
NLRP1-related disorder. Also called: NLRP1-related condition.

gnomAD v4.1: 2 of 1,613,728 alleles (0.00012%); highest among the groups gnomAD compares: African/African-American, 0.0013%; no homozygotes.

Submissions (2):

Women's Health and Genetics/Laboratory Corporation of America, LabCorp
Classification: Likely benign. Last evaluated: 2025-04-22. Review status: criteria provided, single submitter. Criteria: LabCorp Variant Classification Summary - May 2015. Collection method: clinical testing. Allele origin: germline.

PreventionGenetics, part of Exact Sciences
Classification: Likely benign for NLRP1-related condition. Last evaluated: 2019-03-12. Review status: no assertion criteria provided. Collection method: clinical testing. Allele origin: germline. Not counted in ClinVar's aggregate classification.
Comment: This variant is classified as likely benign based on ACMG/AMP sequence variant interpretation guidelines (Richards et al. 2015 PMID: 25741868, with internal and published modifications).

NM_033004.4(NLRP1):c.448+7C>G

Gene: NLRP1 (NLR family pyrin domain containing 1; minus strand). Cytogenetic location: 17p13.2.
Variant type: single nucleotide variant.
Coding change: c.448+7C>G on transcript NM_033004.4 (MANE Select); 7 bases into the intron after coding-DNA position 448, C replaced by G.
Molecular consequence: intron variant.
Genome position (GRCh38, 1-based): chr17:5,582,663, G>C on the plus strand (C>G on the coding strand, the complement: NLRP1 is on the minus strand). VCF-style: chr17-5582663-G-C. GRCh37 (hg19) VCF-style: chr17-5485983-G-C.
Other names: c.448+7C>G (NM_001033053.3, NM_033007.4, NM_033006.4 and 1 more transcripts).
Identifiers: ClinVar variation 3352831 (VCV003352831.3).
Genomic context (GRCh38, chr17:5,582,663, plus strand): 5'-TGGGTGGGGCCCACCAGCTGATTCACAGCTCCACCCAGGGCTGTCAGCCTGCCTCAGCAA[G>C]CCTCACCTCTCCAGCGGCGTCCAGATGTGTCAGGCAGCTGTCTCAAAACCCTTCTCTCTG-3'